The following is an entry in ClinVar:

NM_201548.5(CERKL):c.167_170del (p.Arg56fs)

Gene: CERKL (CERK like autophagy regulator; minus strand). Cytogenetic location: 2q31.3.
Variant type: Microsatellite.
Coding change: c.167_170del on transcript NM_201548.5 (MANE Select); coding-DNA positions 167 to 170, 4 bases deleted (GGGA; older notation c.167_170delGGGA).
Protein change: p.Arg56fs; shifts the reading frame from arginine 56.
Molecular consequence: frameshift variant. On other transcripts: non-coding transcript variant (2).
Genome position (GRCh38, 1-based): chr2:181,656,837-181,656,840, TCCC deleted on the plus strand (GGGA on the coding strand, the reverse complement: CERKL is on the minus strand); deleting any 4 consecutive bases within chr2:181,656,837-181,656,844 gives the same sequence; the c. name uses the placement nearest the transcript's 3' end. VCF-style (leftmost placement, unchanged base first): chr2-181656836-GTCCC-G. GRCh37 (hg19) VCF-style: chr2-182521563-GTCCC-G.
Other names: c.167_170del, p.Arg56fs (NM_001030311.3, NM_001030312.3, NM_001030313.3 and 1 more transcripts); short protein forms R56fs.
Identifiers: ClinVar variation 1070968 (VCV001070968.7), dbSNP rs2105567922, ClinGen allele CA2580616646.

ClinVar aggregate classification (germline): Pathogenic (1 of 4 stars; one submission).

Submission:

Labcorp Genetics (formerly Invitae), Labcorp
Classification: Pathogenic. Last evaluated: 2024-01-04. Review status: criteria provided, single submitter. Criteria: Invitae Variant Classification Sherloc (09022015). Collection method: clinical testing. Allele origin: germline.
Comment: This sequence change creates a premature translational stop signal (p.Arg56Thrfs*7) in the CERKL gene. It is expected to result in an absent or disrupted protein product. Loss-of-function variants in CERKL are known to be pathogenic (PMID: 14681825, 23591405, 24043777). This variant is not present in population databases (gnomAD no frequency). This variant has not been reported in the literature in individuals affected with CERKL-related conditions. For these reasons, this variant has been classified as Pathogenic.

Literature cited by the submitters: PubMed 14681825; PubMed 23591405; PubMed 24043777.